The following is an entry in ClinVar:

ClinVar aggregate classification (germline): Pathogenic/Likely pathogenic. Review status: criteria provided, multiple submitters, no conflicts (2 of 4 stars). 5 submissions from 5 submitters: Pathogenic (4); Likely pathogenic (1). Last evaluated 2025-11-16.

Conditions:
Hereditary nonpolyposis colorectal neoplasms. Identifiers: MedGen C0009405, MeSH D003123.
Hereditary cancer-predisposing syndrome. Also called: Neoplastic Syndromes, Hereditary; Tumor predisposition; Hereditary Cancer Syndrome; Hereditary neoplastic syndrome. Identifiers: Orphanet 140162, MedGen C0027672, MeSH D009386, MONDO:0015356.
Lynch syndrome 5 (LYNCH5). Also called: Colorectal cancer, hereditary nonpolyposis, type 5; Hereditary non-polyposis colorectal cancer, type 5. Identifiers: Orphanet 144, MedGen C1833477, MONDO:0013710, OMIM 614350. Disease mechanism: loss of function.

Submissions (5):

Labcorp Genetics (formerly Invitae), Labcorp
Classification: Pathogenic for Hereditary nonpolyposis colorectal neoplasms. Last evaluated: 2025-11-16. Review status: criteria provided, single submitter. Criteria: Invitae Variant Classification Sherloc (09022015). Collection method: clinical testing. Allele origin: germline.
Comment: This sequence change creates a premature translational stop signal (p.Arg58Glyfs*23) in the MSH6 gene. It is expected to result in an absent or disrupted protein product. Loss-of-function variants in MSH6 are known to be pathogenic (PMID: 18269114, 24362816). This variant is not present in population databases (gnomAD no frequency). This variant has not been reported in the literature in individuals affected with MSH6-related conditions. ClinVar contains an entry for this variant (Variation ID: 525721). For these reasons, this variant has been classified as Pathogenic.

Myriad Genetics, Inc.
Classification: Pathogenic for Lynch syndrome 5. Last evaluated: 2023-08-09. Review status: criteria provided, single submitter. Criteria: Myriad Autosomal Dominant, Autosomal Recessive and X-Linked Classification Criteria (2023). Collection method: clinical testing. Allele origin: unknown.
Comment: This variant is considered pathogenic. This variant creates a frameshift predicted to result in premature protein truncation.

Ambry Genetics
Classification: Pathogenic for Hereditary cancer-predisposing syndrome. Last evaluated: 2022-10-17. Review status: criteria provided, single submitter. Criteria: Ambry Variant Classification Scheme 2023. Collection method: clinical testing. Allele origin: germline.
Comment: The c.171delC pathogenic mutation, located in coding exon 1 of the MSH6 gene, results from a deletion of one nucleotide at nucleotide position 171, causing a translational frameshift with a predicted alternate stop codon (p.R58Gfs*23). This alteration is expected to result in loss of function by premature protein truncation or nonsense-mediated mRNA decay. As such, this alteration is interpreted as a disease-causing mutation.

Sema4
Classification: Likely pathogenic for Hereditary cancer-predisposing syndrome. Last evaluated: 2021-11-22. Review status: criteria provided, single submitter. Criteria: Sema4 Curation Guidelines. Collection method: curation. Allele origin: germline.
Comment: The MSH6 c.171delC (p.R58GfsX23) variant has not been reported in the literature to our knowledge.This variant causes a frameshift at amino acid 58 that results in premature termination 23 amino acids downstream. At this location, this is predicted to cause nonsense-mediated decay and result in an absent protein (loss of function). Loss of function variants in MSH6 are known to be pathogenic (PMID: 20301390). This variant is not reported in the Genome Aggregation Database (PMID: 32461654). This variant has been reported in ClinVar (Variation ID: 525721). Based on the current evidence available, this variant is interpreted as likely pathogenic.

Color Diagnostics, LLC DBA Color Health
Classification: Pathogenic for Hereditary cancer-predisposing syndrome. Last evaluated: 2019-11-11. Review status: criteria provided, single submitter. Criteria: ACMG Guidelines, 2015. Collection method: clinical testing. Allele origin: germline.
Comment: This variant deletes 1 nucleotide in exon 1 of the MSH6 gene, creating a frameshift and premature translation stop signal. This variant is expected to result in an absent or non-functional protein product. Splice site prediction tools suggest that this variant may not impact RNA splicing. To our knowledge, functional studies have not been performed for this variant. This variant has not been reported in individuals affected with hereditary cancer in the literature. This variant has not been identified in the general population by the Genome Aggregation Database (gnomAD). Loss of MSH6 function is a known mechanism of disease. Based on the available evidence, this variant is classified as Pathogenic.

Literature cited by the submitters: PubMed 18269114 (cited by Labcorp Genetics (formerly Invitae), Labcorp); PubMed 24362816 (cited by Labcorp Genetics (formerly Invitae), Labcorp); PubMed 20301390 (cited by Sema4).

NM_000179.3(MSH6):c.171del (p.Arg58fs)

Gene: MSH6 (mutS homolog 6; plus strand). Cytogenetic location: 2p16.3.
Variant type: Deletion.
Coding change: c.171del on transcript NM_000179.3 (MANE Select); coding-DNA position 171, one base deleted (C; older notation c.171delC).
Protein change: p.Arg58fs; shifts the reading frame from arginine 58.
Molecular consequence: frameshift variant. On other transcripts: 5 prime UTR variant (1).
Genome position (GRCh38, 1-based): chr2:47,783,404, C deleted; the last of 3 consecutive C bases (chr2:47,783,402-47,783,404); deleting any one gives the same sequence. VCF-style (leftmost placement, unchanged base first): chr2-47783401-GC-G. GRCh37 (hg19) VCF-style: chr2-48010540-GC-G.
Other names: c.171del, p.Arg58fs (NM_001281492.2); c.-566del (NM_001281493.2); c.171delC (NM_000179.2); short protein forms R58fs.
Identifiers: ClinVar variation 525721 (VCV000525721.15), dbSNP rs1553408306, ClinGen allele CA658795732.